The following is an entry in ClinVar:

NM_000132.4(F8):c.797G>A (p.Gly266Glu)

Gene: F8 (coagulation factor VIII; minus strand). Cytogenetic location: Xq28.
Variant type: single nucleotide variant.
Coding change: c.797G>A on transcript NM_000132.4 (MANE Select); coding-DNA position 797, G replaced by A.
Protein change: p.Gly266Glu; replaces glycine 266 with glutamic acid.
Molecular consequence: missense variant.
Genome position (GRCh38, 1-based): chrX:154,969,543, C>T on the plus strand (G>A on the coding strand, the complement: F8 is on the minus strand). VCF-style: chrX-154969543-C-T. GRCh37 (hg19) VCF-style: chrX-154197818-C-T.
Other names: F8, GLY266GLU; short protein forms G266E.
Identifiers: ClinVar variation 10185 (VCV000010185.9), dbSNP rs137852398, ClinGen allele CA255071.

ClinVar aggregate classification (germline): Likely pathogenic. Review status: criteria provided, single submitter (1 of 4 stars). 2 submissions from 2 submitters: Likely pathogenic (1). 1 of the submissions does not count toward it. Last evaluated 2021-09-07.

Conditions:
Hereditary factor VIII deficiency disease (HEMA). Also called: AUTOSOMAL HEMOPHILIA A; Hemophilia A; HEMOPHILIA, CLASSIC; Hemophilia A, congenital; HEM A; Factor 8 deficiency, congenital. Identifiers: Orphanet 98878, MedGen C0019069, MONDO:0010602, OMIM 306700.

Allele frequency attached by ClinVar (database versions not stated): TOPMed 0.00001.

Submissions (2):

ARUP Laboratories, Molecular Genetics and Genomics, ARUP Laboratories
Classification: Likely pathogenic for Hereditary factor VIII deficiency disease. Last evaluated: 2021-09-07. Review status: criteria provided, single submitter. Criteria: ARUP Molecular Germline Variant Investigation Process 2021. Collection method: clinical testing. Allele origin: germline.
Comment: The F8 c.797G>A; p.Gly266Glu variant (rs137852398), also known as p.Gly247Glu, is reported in the literature in multiple individuals affected with mild to moderate hemophilia A (see F8 database and references therein, Eckhardt 2014, Li 2020). This variant is also reported in ClinVar (Variation ID: 10185). This variant is absent from the Genome Aggregation Database, indicating it is not a common polymorphism. The glycine at codon 266 is moderately conserved, and computational analyses predict that this variant is deleterious (REVEL: 0.775). Based on available information, this variant is considered to be likely pathogenic. References: Link to F8 database: Eckhardt CL et al. Factor VIII gene (F8) mutation and risk of inhibitor development in nonsevere hemophilia A. Blood. 2013 Sep 12;122(11):1954-62. Erratum in: Blood. 2014 May 8;123(19):3056. PMID: 23926300. Li Q et al. Target capture next-generation sequencing in non-inversion haemophilia: an alternative approach. Br J Haematol. 2020 May;189(4):e168-e170. PMID: 32190902. PMID: 8547094.

OMIM
Classification: Pathogenic for HEMOPHILIA A. Last evaluated: 2013-09-12. Review status: no assertion criteria provided. Collection method: literature only. Allele origin: germline. Not counted in ClinVar's aggregate classification.

Literature cited by the submitters: PubMed 23926300 (cited by OMIM); PubMed 7728145 (cited by OMIM).